The following is an entry in ClinVar:

ClinVar aggregate classification (germline): Uncertain significance. Review status: criteria provided, multiple submitters, no conflicts (2 of 4 stars). 2 submissions from 2 submitters: Uncertain significance (2). Last evaluated 2022-07-11.

Conditions:
Cardiovascular phenotype. Identifiers: MedGen CN230736.
Brugada syndrome 8 (BRGDA8). Identifiers: Orphanet 130, MedGen C2751083, MONDO:0013148, OMIM 613123.

Allele frequency attached by ClinVar (database versions not stated): gnomAD exomes 0.00001; TOPMed 0.00001.
gnomAD v4.1: 2 of 1,485,730 alleles (0.00013%); highest among the groups gnomAD compares: South Asian, 0.0025%; no homozygotes.

Submissions (2):

Labcorp Genetics (formerly Invitae), Labcorp
Classification: Uncertain significance for Brugada syndrome 8. Last evaluated: 2022-07-11. Review status: criteria provided, single submitter. Criteria: Invitae Variant Classification Sherloc (09022015). Collection method: clinical testing. Allele origin: germline.
Comment: In summary, the available evidence is currently insufficient to determine the role of this variant in disease. Therefore, it has been classified as a Variant of Uncertain Significance. Advanced modeling of protein sequence and biophysical properties (such as structural, functional, and spatial information, amino acid conservation, physicochemical variation, residue mobility, and thermodynamic stability) performed at Invitae indicates that this missense variant is not expected to disrupt HCN4 protein function. ClinVar contains an entry for this variant (Variation ID: 1061061). This variant has not been reported in the literature in individuals affected with HCN4-related conditions. The frequency data for this variant in the population databases is considered unreliable, as metrics indicate poor data quality at this position in the gnomAD database. This sequence change replaces arginine, which is basic and polar, with glycine, which is neutral and non-polar, at codon 68 of the HCN4 protein (p.Arg68Gly).

Ambry Genetics
Classification: Uncertain significance for Cardiovascular phenotype. Last evaluated: 2021-10-19. Review status: criteria provided, single submitter. Criteria: Ambry Variant Classification Scheme 2023. Collection method: clinical testing. Allele origin: germline.
Comment: The p.R68G variant (also known as c.202C>G), located in coding exon 1 of the HCN4 gene, results from a C to G substitution at nucleotide position 202. The arginine at codon 68 is replaced by glycine, an amino acid with dissimilar properties. This amino acid position is conserved. In addition, this alteration is predicted to be tolerated by in silico analysis. Since supporting evidence is limited at this time, the clinical significance of this alteration remains unclear.

NM_005477.3(HCN4):c.202C>G (p.Arg68Gly)

Gene: HCN4 (hyperpolarization activated cyclic nucleotide gated potassium channel 4; minus strand). Cytogenetic location: 15q24.1.
Variant type: single nucleotide variant.
Coding change: c.202C>G on transcript NM_005477.3 (MANE Select); coding-DNA position 202, C replaced by G.
Protein change: p.Arg68Gly; replaces arginine 68 with glycine.
Molecular consequence: missense variant.
Genome position (GRCh38, 1-based): chr15:73,368,069, G>C on the plus strand (C>G on the coding strand, the complement: HCN4 is on the minus strand). VCF-style: chr15-73368069-G-C. GRCh37 (hg19) VCF-style: chr15-73660410-G-C.
Other names: short protein forms R68G.
Identifiers: ClinVar variation 1061061 (VCV001061061.11), dbSNP rs962306052, ClinGen allele CA393098728.
Genomic context (GRCh38, chr15:73,368,069, plus strand): 5'-TGGACTTGCCCGCGCCGCGGGCCGGCCCTTCGCTGTCCGCTGCCCCGAGGGCCGAGCTCC[G>C]GGACTCCGTGCCACCCGCGGCCGCCGAGGGGGAGGGCGAGGGCAGTGGCCGCAGCCGGAT-3'
Protein context (NP_005468.1, residues 58-78): PSAAAGGTES[Arg68Gly]SSALGAADSE